The following is an entry in ClinVar:

ClinVar aggregate classification (germline): Benign/Likely benign. Review status: criteria provided, multiple submitters, no conflicts (2 of 4 stars). 13 submissions from 13 submitters: Benign (11); Likely benign (1). 1 of the submissions does not count toward it. Last evaluated 2026-02-04.

Conditions:
Retinal dystrophy. Also called: Inherited retinal dystrophy. Identifiers: Orphanet 71862, MedGen C0854723, MeSH D058499, MONDO:0019118, HP:0000556.
Usher syndrome type 2A. Also called: USHER SYNDROME, TYPE IIA; RETINAL DISEASE IN USHER SYNDROME TYPE IIA, MODIFIER OF. Identifiers: Orphanet 231178, Orphanet 886, MedGen C1848634, MONDO:0010169, OMIM 276901.
Retinitis pigmentosa 39 (RP39). Identifiers: Orphanet 791, MedGen C3151138, MONDO:0013436, OMIM 613809.

Allele frequency attached by ClinVar (database versions not stated): ESP Exome Variant Server 0.21844; 1000 Genomes Project 0.15935; 1000 Genomes Project 30x 0.16224; TOPMed 0.20701.
gnomAD v4.1: 348,855 of 1,613,586 alleles (22%); highest among the groups gnomAD compares: Non-Finnish European, 23%; 38,998 homozygotes.

Submissions (13):

Labcorp Genetics (formerly Invitae), Labcorp
Classification: Benign. Last evaluated: 2026-02-04. Review status: criteria provided, single submitter. Criteria: Invitae Variant Classification Sherloc (09022015). Collection method: clinical testing. Allele origin: germline.

Blueprint Genetics
Classification: Benign. Last evaluated: 2024-11-26. Review status: criteria provided, single submitter. Criteria: ACMG Guidelines, 2015. Collection method: clinical testing. Allele origin: germline.

Dept Of Ophthalmology, Nagoya University
Classification: Benign for Retinal dystrophy. Last evaluated: 2023-10-01. Review status: criteria provided, single submitter. Criteria: Submitter's publication. Collection method: research. Allele origin: germline. Affected: yes.

Women's Health and Genetics/Laboratory Corporation of America, LabCorp
Classification: Likely benign. Last evaluated: 2023-04-16. Review status: criteria provided, single submitter. Criteria: LabCorp Variant Classification Summary - May 2015. Collection method: clinical testing. Allele origin: germline.

Fulgent Genetics
Classification: Benign for Usher syndrome type 2A; Retinitis pigmentosa 39. Last evaluated: 2021-10-25. Review status: criteria provided, single submitter. Criteria: ACMG Guidelines, 2015. Collection method: clinical testing. Allele origin: unknown.

Genome-Nilou Lab
Classification: Benign for Usher syndrome type 2A. Last evaluated: 2021-07-01. Review status: criteria provided, single submitter. Criteria: ACMG Guidelines, 2015. Collection method: clinical testing. Allele origin: germline. Affected: no.

Mayo Clinic Laboratories, Mayo Clinic
Classification: Benign. Last evaluated: 2020-10-20. Review status: criteria provided, single submitter. Criteria: ACMG Guidelines, 2015. Collection method: clinical testing. Allele origin: germline. Observed: 57 variant alleles.

Eurofins Ntd Llc (ga)
Classification: Benign. Last evaluated: 2014-06-26. Review status: criteria provided, single submitter. Criteria: EGL Classification Definitions 2015. Collection method: clinical testing. Allele origin: germline. Observed: 1 variant allele, 1 heterozygote.

GeneDx
Classification: Benign. Last evaluated: 2013-08-19. Review status: criteria provided, single submitter. Criteria: GeneDx Variant Classification (06012015). Collection method: clinical testing. Allele origin: germline. Affected: yes.
Comment: This variant is considered likely benign or benign based on one or more of the following criteria: it is a conservative change, it occurs at a poorly conserved position in the protein, it is predicted to be benign by multiple in silico algorithms, and/or has population frequency not consistent with disease.

Laboratory for Molecular Medicine, Mass General Brigham Personalized Medicine
Classification: Benign. Last evaluated: 2008-02-20. Review status: criteria provided, single submitter. Criteria: LMM Criteria. Collection method: clinical testing. Allele origin: germline. Observed: 835 variant alleles.

Breakthrough Genomics
Classification: Benign. Review status: criteria provided, single submitter. Criteria: ACMG Guidelines, 2015. Collection method: not provided. Allele origin: germline. Inheritance: Autosomal recessive inheritance. Affected: yes.

PreventionGenetics, part of Exact Sciences
Classification: Benign. Review status: criteria provided, single submitter. Criteria: ACMG Guidelines, 2015. Collection method: clinical testing. Allele origin: germline.

Natera, Inc.
Classification: Benign for Usher syndrome type 2A. Last evaluated: 2020-09-16. Review status: no assertion criteria provided. Collection method: clinical testing. Allele origin: germline. Not counted in ClinVar's aggregate classification.

NM_206933.4(USH2A):c.11602A>G (p.Met3868Val)

Gene: USH2A (usherin; minus strand). Cytogenetic location: 1q41.
Variant type: single nucleotide variant.
Coding change: c.11602A>G on transcript NM_206933.4 (MANE Select); coding-DNA position 11602, A replaced by G.
Protein change: p.Met3868Val; replaces methionine 3868 with valine.
Molecular consequence: missense variant.
Genome position (GRCh38, 1-based): chr1:215,741,484, T>C on the plus strand (A>G on the coding strand, the complement: USH2A is on the minus strand). VCF-style: chr1-215741484-T-C. GRCh37 (hg19) VCF-style: chr1-215914826-T-C.
Other names: p.M3868V:ATG>GTG; short protein forms M3868V.
Identifiers: ClinVar variation 48378 (VCV000048378.27), dbSNP rs35309576, ClinGen allele CA143261.